The following is an entry in ClinVar:

ClinVar aggregate classification (germline): Conflicting classifications of pathogenicity. Review status: criteria provided, conflicting classifications (1 of 4 stars). 2 submissions from 2 submitters: Uncertain significance (1); Likely benign (1). Last evaluated 2023-03-23.

Conditions:
Hereditary cancer-predisposing syndrome. Also called: Neoplastic Syndromes, Hereditary; Tumor predisposition; Hereditary Cancer Syndrome; Hereditary neoplastic syndrome. Identifiers: Orphanet 140162, MedGen C0027672, MeSH D009386, MONDO:0015356.

Submissions (2):

University of Washington Department of Laboratory Medicine, University of Washington
Classification: Likely benign for Hereditary cancer-predisposing syndrome. Last evaluated: 2023-03-23. Review status: criteria provided, single submitter. Criteria: Dines et al. (Genet Med. 2020). Collection method: curation. Allele origin: germline.
Comment: Missense variant in a coldspot region where missense variants are very unlikely to be pathogenic (PMID:31911673).

BRCA2 exon 10 coldspot. Reclassification based on statistical prior probability.

Ambry Genetics
Classification: Uncertain significance for Hereditary cancer-predisposing syndrome. Last evaluated: 2020-09-28. Review status: criteria provided, single submitter. Criteria: Ambry Variant Classification Scheme 2023. Collection method: clinical testing. Allele origin: germline.
Comment: The p.T587K variant (also known as c.1760C>A), located in coding exon 9 of the BRCA2 gene, results from a C to A substitution at nucleotide position 1760. The threonine at codon 587 is replaced by lysine, an amino acid with similar properties. This amino acid position is not well conserved in available vertebrate species. In addition, this alteration is predicted to be tolerated by in silico analysis. Since supporting evidence is limited at this time, the clinical significance of this alteration remains unclear.

NM_000059.4(BRCA2):c.1760C>A (p.Thr587Lys)

Gene: BRCA2 (BRCA2 DNA repair associated; plus strand). Cytogenetic location: 13q13.1.
Variant type: single nucleotide variant.
Coding change: c.1760C>A on transcript NM_000059.4 (MANE Select); coding-DNA position 1760, C replaced by A.
Protein change: p.Thr587Lys; replaces threonine 587 with lysine.
Molecular consequence: missense variant.
Genome position (GRCh38, 1-based): chr13:32,333,238, C>A. VCF-style: chr13-32333238-C-A. GRCh37 (hg19) VCF-style: chr13-32907375-C-A.
Other names: c.1760C>A, p.Thr587Lys (NM_001406719.1, NM_001406720.1, NM_001406721.1); short protein forms T587K.
Identifiers: ClinVar variation 1779570 (VCV001779570.4), dbSNP rs786203316, ClinGen allele CA387765567.